The following is an entry in ClinVar:

ClinVar aggregate classification (germline): Uncertain significance (1 of 4 stars; one submission).

Submission:

Labcorp Genetics (formerly Invitae), Labcorp
Classification: Uncertain significance. Last evaluated: 2023-02-24. Review status: criteria provided, single submitter. Criteria: Invitae Variant Classification Sherloc (09022015). Collection method: clinical testing. Allele origin: germline.
Comment: This variant is not present in population databases (gnomAD no frequency). In summary, the available evidence is currently insufficient to determine the role of this variant in disease. Therefore, it has been classified as a Variant of Uncertain Significance. Experimental studies and prediction algorithms are not available or were not evaluated, and the functional significance of this variant is currently unknown. This variant has not been reported in the literature in individuals affected with CLTC-related conditions. This sequence change replaces glutamine, which is neutral and polar, with lysine, which is basic and polar, at codon 552 of the CLTC protein (p.Gln552Lys).

NM_004859.4(CLTC):c.1642C>A (p.Gln548Lys)

Gene: CLTC (clathrin heavy chain; plus strand). Cytogenetic location: 17q23.1.
Variant type: single nucleotide variant.
Coding change: c.1642C>A on transcript NM_004859.4 (MANE Select); coding-DNA position 1642, C replaced by A.
Protein change: p.Gln548Lys; replaces glutamine 548 with lysine.
Molecular consequence: missense variant.
Genome position (GRCh38, 1-based): chr17:59,664,907, C>A. VCF-style: chr17-59664907-C-A. GRCh37 (hg19) VCF-style: chr17-57742268-C-A.
Other names: c.1654C>A, p.Gln552Lys (NM_001288653.2); short protein forms Q548K, Q552K.
Identifiers: ClinVar variation 2840546 (VCV002840546.3), dbSNP rs2509382134, ClinGen allele CA400427089.